The following is an entry in ClinVar:

ClinVar aggregate classification (germline): Uncertain significance (1 of 4 stars; one submission).

Conditions:
Charcot-Marie-Tooth disease axonal type 2Z. Also called: CHARCOT-MARIE-TOOTH DISEASE, AXONAL, AUTOSOMAL DOMINANT, TYPE 2Z; CHARCOT-MARIE-TOOTH NEUROPATHY, TYPE 2Z. Identifiers: Orphanet 466768, MedGen C5569025, MONDO:0014736, OMIM 616688.

Submission:

Labcorp Genetics (formerly Invitae), Labcorp
Classification: Uncertain significance for Charcot-Marie-Tooth disease axonal type 2Z. Last evaluated: 2024-01-31. Review status: criteria provided, single submitter. Criteria: Invitae Variant Classification Sherloc (09022015). Collection method: clinical testing. Allele origin: germline.
Comment: This sequence change replaces glutamine, which is neutral and polar, with arginine, which is basic and polar, at codon 224 of the MORC2 protein (p.Gln224Arg). This variant is not present in population databases (gnomAD no frequency). This variant has not been reported in the literature in individuals affected with MORC2-related conditions. Advanced modeling of protein sequence and biophysical properties (such as structural, functional, and spatial information, amino acid conservation, physicochemical variation, residue mobility, and thermodynamic stability) performed at Invitae indicates that this missense variant is not expected to disrupt MORC2 protein function with a negative predictive value of 95%. In summary, the available evidence is currently insufficient to determine the role of this variant in disease. Therefore, it has been classified as a Variant of Uncertain Significance.

NM_001303256.3(MORC2):c.671A>G (p.Gln224Arg)

Gene: MORC2 (MORC family CW-type zinc finger 2; minus strand). Cytogenetic location: 22q12.2.
Variant type: single nucleotide variant.
Coding change: c.671A>G on transcript NM_001303256.3 (MANE Select); coding-DNA position 671, A replaced by G.
Protein change: p.Gln224Arg; replaces glutamine 224 with arginine.
Molecular consequence: missense variant.
Genome position (GRCh38, 1-based): chr22:30,941,918, T>C on the plus strand (A>G on the coding strand, the complement: MORC2 is on the minus strand). VCF-style: chr22-30941918-T-C. GRCh37 (hg19) VCF-style: chr22-31337905-T-C.
Other names: c.671A>G, p.Gln224Arg (NM_001303257.2); c.485A>G, p.Gln162Arg (NM_014941.3); short protein forms Q162R, Q224R.
Identifiers: ClinVar variation 2714386 (VCV002714386.3), dbSNP rs2517603426, ClinGen allele CA411242751.